The following is an entry in ClinVar:

ClinVar aggregate classification (germline): Uncertain significance. Review status: criteria provided, multiple submitters, no conflicts (2 of 4 stars). 4 submissions from 4 submitters: Uncertain significance (4). Last evaluated 2025-02-25.

Conditions:
Inborn genetic diseases. Identifiers: MedGen C0950123, MeSH D030342.
Mitochondrial DNA depletion syndrome, encephalomyopathic form with methylmalonic aciduria (MTDPS5). Also called: Mitochondrial encephalomyopathy aminoacidopathy; MITOCHONDRIAL DNA DEPLETION SYNDROME, ENCEPHALOMYOPATHIC FORM, WITH OR WITHOUT METHYLMALONIC ACIDURIA, AUTOSOMAL RECESSIVE, SUCLA2-RELATED; Mitochondrial DNA depletion syndrome 5 (encephalomyopathic with or without methylmalonic aciduria); SUCLA2-Related Mitochondrial DNA Depletion Syndrome, Encephalomyopathic Form with Methylmalonic Aciduria. Identifiers: Orphanet 1933, MedGen C5980207, MONDO:0012791, OMIM 612073.

Allele frequency attached by ClinVar (database versions not stated): gnomAD exomes 0.00005 and 0.00004; ExAC 0.00008; gnomAD 0.00002 and 0.00003; TOPMed 0.00002; ESP Exome Variant Server 0.00008.
gnomAD v4.1: 67 of 1,609,328 alleles (0.0042%); highest among the groups gnomAD compares: Non-Finnish European, 0.0054%; no homozygotes.

Submissions (4):

GeneDx
Classification: Uncertain significance. Last evaluated: 2025-02-25. Review status: criteria provided, single submitter. Criteria: GeneDx Variant Classification Process June 2021. Collection method: clinical testing. Allele origin: germline. Affected: yes.
Comment: Not observed at significant frequency in large population cohorts (gnomAD); In silico analysis indicates that this missense variant does not alter protein structure/function; Has not been previously published as pathogenic or benign to our knowledge

Ambry Genetics
Classification: Uncertain significance for Inborn genetic diseases. Last evaluated: 2025-01-29. Review status: criteria provided, single submitter. Criteria: Ambry Variant Classification Scheme 2023. Collection method: clinical testing. Allele origin: germline.

Labcorp Genetics (formerly Invitae), Labcorp
Classification: Uncertain significance for Mitochondrial DNA depletion syndrome, encephalomyopathic form with methylmalonic aciduria. Last evaluated: 2022-08-16. Review status: criteria provided, single submitter. Criteria: Invitae Variant Classification Sherloc (09022015). Collection method: clinical testing. Allele origin: germline.
Comment: This sequence change replaces alanine, which is neutral and non-polar, with valine, which is neutral and non-polar, at codon 27 of the SUCLA2 protein (p.Ala27Val). This variant is present in population databases (rs368407554, gnomAD 0.01%). This variant has not been reported in the literature in individuals affected with SUCLA2-related conditions. ClinVar contains an entry for this variant (Variation ID: 203952). Algorithms developed to predict the effect of missense changes on protein structure and function (SIFT, PolyPhen-2, Align-GVGD) all suggest that this variant is likely to be tolerated. In summary, the available evidence is currently insufficient to determine the role of this variant in disease. Therefore, it has been classified as a Variant of Uncertain Significance.

Athena Diagnostics
Classification: Uncertain significance. Last evaluated: 2020-08-17. Review status: criteria provided, single submitter. Criteria: Athena Diagnostics Criteria. Collection method: clinical testing. Allele origin: unknown.

NM_003850.3(SUCLA2):c.80C>T (p.Ala27Val)

Genes: SUCLA2 (succinate-CoA ligase ADP-forming subunit beta; minus strand), LOC130009747 (ATAC-STARR-seq lymphoblastoid active region 7719; plus strand). Cytogenetic location: 13q14.2.
Variant type: single nucleotide variant.
Coding change: c.80C>T on transcript NM_003850.3 (MANE Select); coding-DNA position 80, C replaced by T.
Protein change: p.Ala27Val; replaces alanine 27 with valine.
Molecular consequence: missense variant.
Genome position (GRCh38, 1-based): chr13:48,001,190, G>A on the plus strand (C>T on the coding strand, the complement: SUCLA2 is on the minus strand). VCF-style: chr13-48001190-G-A. GRCh37 (hg19) VCF-style: chr13-48575326-G-A.
Other names: p.A27V:GCT>GTT; short protein forms A27V.
Identifiers: ClinVar variation 203952 (VCV000203952.12), dbSNP rs368407554, ClinGen allele CA313012.
Genomic context (GRCh38, chr13:48,001,190, plus strand): 5'-ACCCTTTCTCCTGCCGACCCTCGAGACGACAGCGGACTGGAAGGCATTACCTGAGCAGCA[G>A]CCCGCTGGGCCGTCCGAGGCCGGTGGTTCCGAAGGGTGGCCACGGCCACTAGCCTGCCGT-3'
Protein context (NP_003841.1, residues 17-37): RNHRPRTAQR[Ala27Val]AAQVLGSSGL